The following is an entry in ClinVar:

NM_020297.4(ABCC9):c.3772-16T>C

Genes: ABCC9 (ATP binding cassette subfamily C member 9; minus strand), KCNJ8-AS1 (KCNJ8 antisense RNA 1; plus strand). Cytogenetic location: 12p12.1.
Variant type: single nucleotide variant.
Coding change: c.3772-16T>C on transcript NM_020297.4 (MANE Select); 16 bases into the intron before coding-DNA position 3772, T replaced by C.
Molecular consequence: intron variant.
Genome position (GRCh38, 1-based): chr12:21,817,323, A>G on the plus strand (T>C on the coding strand, the complement: ABCC9 is on the minus strand). VCF-style: chr12-21817323-A-G. GRCh37 (hg19) VCF-style: chr12-21970257-A-G.
Other names: c.2905-16T>C (NM_001377274.1); c.3772-16T>C (NM_005691.4, NM_001377273.1).
Identifiers: ClinVar variation 506881 (VCV000506881.5), dbSNP rs745509782, ClinGen allele CA6481017.

ClinVar aggregate classification (germline): Likely benign. Review status: criteria provided, multiple submitters, no conflicts (2 of 4 stars). 2 submissions from 2 submitters: Likely benign (2). Last evaluated 2025-01-22.

Conditions:
Dilated cardiomyopathy 1O (CMD1O). Also called: CARDIOMYOPATHY, DILATED, WITH VENTRICULAR TACHYCARDIA. Identifiers: Orphanet 154, MedGen C1837839, MONDO:0012062, OMIM 608569.

Allele frequency attached by ClinVar (database versions not stated): gnomAD 0.00001; gnomAD exomes 0.00001; TOPMed 0.00001; ExAC 0.00003.
gnomAD v4.1: 31 of 1,611,806 alleles (0.0019%); highest among the groups gnomAD compares: Non-Finnish European, 0.0025%; no homozygotes.

Submissions (2):

Labcorp Genetics (formerly Invitae), Labcorp
Classification: Likely benign for Dilated cardiomyopathy 1O. Last evaluated: 2025-01-22. Review status: criteria provided, single submitter. Criteria: Invitae Variant Classification Sherloc (09022015). Collection method: clinical testing. Allele origin: germline.

GeneDx
Classification: Likely benign. Last evaluated: 2017-01-23. Review status: criteria provided, single submitter. Criteria: GeneDx Variant Classification (06012015). Collection method: clinical testing. Allele origin: germline. Affected: yes.
Comment: This variant is considered likely benign or benign based on one or more of the following criteria: it is a conservative change, it occurs at a poorly conserved position in the protein, it is predicted to be benign by multiple in silico algorithms, and/or has population frequency not consistent with disease.